The following is an entry in ClinVar:

NM_004360.5(CDH1):c.2481T>C (p.Tyr827=)

Gene: CDH1 (cadherin 1; plus strand). Cytogenetic location: 16q22.1.
Variant type: single nucleotide variant.
Coding change: c.2481T>C on transcript NM_004360.5 (MANE Select); coding-DNA position 2481, T replaced by C.
Protein change: p.Tyr827=; no amino-acid change (tyrosine 827 retained).
Molecular consequence: synonymous variant.
Genome position (GRCh38, 1-based): chr16:68,833,331, T>C. VCF-style: chr16-68833331-T-C. GRCh37 (hg19) VCF-style: chr16-68867234-T-C.
Other names: c.933T>C, p.Tyr311= (NM_001317185.2); c.516T>C, p.Tyr172= (NM_001317186.2); c.2298T>C, p.Tyr766= (NM_001317184.2); c.2481T>C (LRG_301t1).
Identifiers: ClinVar variation 483263 (VCV000483263.18), dbSNP rs767045364, ClinGen allele CA496393050.

ClinVar aggregate classification (germline): Benign/Likely benign. Review status: criteria provided, multiple submitters, no conflicts (2 of 4 stars). 5 submissions from 5 submitters: Benign (1); Likely benign (4). Last evaluated 2025-01-28.

Conditions:
Hereditary cancer-predisposing syndrome. Also called: Hereditary neoplastic syndrome; Neoplastic Syndromes, Hereditary; Tumor predisposition; Hereditary Cancer Syndrome. Identifiers: Orphanet 140162, MedGen C0027672, MeSH D009386, MONDO:0015356.
Hereditary diffuse gastric adenocarcinoma (HDGC). Also called: DIFFUSE GASTRIC AND LOBULAR BREAST CANCER SYNDROME. Identifiers: Orphanet 26106, MedGen C1708349, MONDO:0007648, OMIM 137215.

Allele frequency attached by ClinVar (database versions not stated): gnomAD exomes below 0.00001.
gnomAD v4.1: 6 of 1,614,238 alleles (0.00037%); highest among the groups gnomAD compares: South Asian, 0.0033%; no homozygotes.

Submissions (5):

Labcorp Genetics (formerly Invitae), Labcorp
Classification: Likely benign for Hereditary diffuse gastric adenocarcinoma. Last evaluated: 2025-01-28. Review status: criteria provided, single submitter. Criteria: Invitae Variant Classification Sherloc (09022015). Collection method: clinical testing. Allele origin: germline.

Myriad Genetics, Inc.
Classification: Benign for Hereditary diffuse gastric adenocarcinoma. Last evaluated: 2024-09-24. Review status: criteria provided, single submitter. Criteria: Myriad Autosomal Dominant, Autosomal Recessive and X-Linked Classification Criteria (2023). Collection method: clinical testing. Allele origin: unknown.
Comment: This variant is considered benign. This variant is a silent/synonymous amino acid change and it is not expected to impact splicing.

Color Diagnostics, LLC DBA Color Health
Classification: Likely benign for Hereditary cancer-predisposing syndrome. Last evaluated: 2021-08-03. Review status: criteria provided, single submitter. Criteria: ACMG Guidelines, 2015. Collection method: clinical testing. Allele origin: germline.

Ambry Genetics
Classification: Likely benign for Hereditary cancer-predisposing syndrome. Last evaluated: 2017-02-22. Review status: criteria provided, single submitter. Criteria: Ambry Variant Classification Scheme 2023. Collection method: clinical testing. Allele origin: germline.

GeneDx
Classification: Likely benign. Last evaluated: 2017-02-06. Review status: criteria provided, single submitter. Criteria: GeneDx Variant Classification (06012015). Collection method: clinical testing. Allele origin: germline. Affected: yes.
Comment: This variant is considered likely benign or benign based on one or more of the following criteria: it is a conservative change, it occurs at a poorly conserved position in the protein, it is predicted to be benign by multiple in silico algorithms, and/or has population frequency not consistent with disease.